The following is an entry in ClinVar:

ClinVar aggregate classification (germline): Uncertain significance. Review status: criteria provided, multiple submitters, no conflicts (2 of 4 stars). 2 submissions from 2 submitters: Uncertain significance (2). Last evaluated 2024-07-10.

Conditions:
Multiple congenital anomalies-hypotonia-seizures syndrome 1 (MCAHS1). Also called: GLYCOSYLPHOSPHATIDYLINOSITOL BIOSYNTHESIS DEFECT 3; PIGN-CDG; Congenital disorder of glycosylation due to PIGN deficiency. Identifiers: Orphanet 280633, MedGen C3279775, MONDO:0013563, OMIM 614080.

Allele frequency attached by ClinVar (database versions not stated): ExAC 0.00001; gnomAD 0.00001; gnomAD exomes below 0.00001; TOPMed 0.00001.
gnomAD v4.1: 7 of 1,612,942 alleles (0.00043%); highest among the groups gnomAD compares: African/African-American, 0.0027%; no homozygotes.

Submissions (2):

GeneDx
Classification: Uncertain significance. Last evaluated: 2024-07-10. Review status: criteria provided, single submitter. Criteria: GeneDx Variant Classification Process June 2021. Collection method: clinical testing. Allele origin: germline. Affected: yes.
Comment: Not observed at significant frequency in large population cohorts (gnomAD); In silico analysis supports that this missense variant has a deleterious effect on protein structure/function; Has not been previously published as pathogenic or benign to our knowledge

Labcorp Genetics (formerly Invitae), Labcorp
Classification: Uncertain significance for Multiple congenital anomalies-hypotonia-seizures syndrome 1. Last evaluated: 2023-08-04. Review status: criteria provided, single submitter. Criteria: Invitae Variant Classification Sherloc (09022015). Collection method: clinical testing. Allele origin: germline.
Comment: This sequence change replaces tyrosine, which is neutral and polar, with histidine, which is basic and polar, at codon 438 of the PIGN protein (p.Tyr438His). This variant is present in population databases (rs745667697, gnomAD 0.0009%). This variant has not been reported in the literature in individuals affected with PIGN-related conditions. ClinVar contains an entry for this variant (Variation ID: 1356670). Advanced modeling of protein sequence and biophysical properties (such as structural, functional, and spatial information, amino acid conservation, physicochemical variation, residue mobility, and thermodynamic stability) performed at Invitae indicates that this missense variant is expected to disrupt PIGN protein function. In summary, the available evidence is currently insufficient to determine the role of this variant in disease. Therefore, it has been classified as a Variant of Uncertain Significance.

NM_176787.5(PIGN):c.1312T>C (p.Tyr438His)

Gene: PIGN (phosphatidylinositol glycan anchor biosynthesis class N; minus strand). Cytogenetic location: 18q21.33.
Variant type: single nucleotide variant.
Coding change: c.1312T>C on transcript NM_176787.5 (MANE Select); coding-DNA position 1312, T replaced by C.
Protein change: p.Tyr438His; replaces tyrosine 438 with histidine.
Molecular consequence: missense variant.
Genome position (GRCh38, 1-based): chr18:62,113,256, A>G on the plus strand (T>C on the coding strand, the complement: PIGN is on the minus strand). VCF-style: chr18-62113256-A-G. GRCh37 (hg19) VCF-style: chr18-59780489-A-G.
Other names: c.1312T>C, p.Tyr438His (NM_012327.6); c.1312T>C (NM_176787.4); short protein forms Y438H.
Identifiers: ClinVar variation 1356670 (VCV001356670.7), dbSNP rs745667697, ClinGen allele CA8982333.
Genomic context (GRCh38, chr18:62,113,256, plus strand): 5'-CATAAGATATCCATCCCACAAAACCAATAACAACATTGACGCCCAAAAAGAATCTGTCAT[A>G]TGTGTGATAATAGGACAATCCTTTCAATGCAAGATGAATTAGCTCCTTGCAAAGGGAGAC-3'
Protein context (NP_789744.1, residues 428-448): ALKGLSYYHT[Tyr438His]DRFFLGVNVV